The following is an entry in ClinVar:

NM_016284.5(CNOT1):c.4434+12A>G

Gene: CNOT1 (CCR4-NOT transcription complex subunit 1; minus strand). Cytogenetic location: 16q21.
Variant type: single nucleotide variant.
Coding change: c.4434+12A>G on transcript NM_016284.5 (MANE Select); 12 bases into the intron after coding-DNA position 4434, A replaced by G.
Molecular consequence: intron variant. On other transcripts: synonymous variant (1).
Genome position (GRCh38, 1-based): chr16:58,543,595, T>C on the plus strand (A>G on the coding strand, the complement: CNOT1 is on the minus strand). VCF-style: chr16-58543595-T-C. GRCh37 (hg19) VCF-style: chr16-58577499-T-C.
Other names: c.4446A>G, p.Leu1482= (NM_206999.3); c.4419+12A>G (NM_001265612.2).
Identifiers: ClinVar variation 3357653 (VCV003357653.1).

ClinVar aggregate classification (germline): Likely benign (0 of 4 stars; one submission).

Conditions:
CNOT1-related disorder. Also called: CNOT1-related condition.

gnomAD v4.1: 24 of 1,614,004 alleles (0.0015%); highest among the groups gnomAD compares: Admixed American, 0.005%; no homozygotes.

Submission:

PreventionGenetics, part of Exact Sciences
Classification: Likely benign for CNOT1-related condition. Last evaluated: 2024-08-27. Review status: no assertion criteria provided. Collection method: clinical testing. Allele origin: germline.
Comment: This variant is classified as likely benign based on ACMG/AMP sequence variant interpretation guidelines (Richards et al. 2015 PMID: 25741868, with internal and published modifications).